The following is an entry in ClinVar:

ClinVar aggregate classification (germline): Conflicting classifications of pathogenicity. Review status: criteria provided, conflicting classifications (1 of 4 stars). 5 submissions from 5 submitters: Uncertain significance (4); Likely benign (1). Last evaluated 2026-09-17.

Conditions:
Inborn genetic diseases. Identifiers: MedGen C0950123, MeSH D030342.
Basal laminar drusen. Also called: DRUSEN OF BRUCH MEMBRANE; DRUSEN, CUTICULAR; DRUSEN, EARLY ADULT-ONSET, GROUPED. Identifiers: Orphanet 75376, MedGen C0730295, MONDO:0007472, OMIM 126700.
Atypical hemolytic-uremic syndrome. Identifiers: Orphanet 2134, MedGen C2931788, MONDO:0016244.
Factor H deficiency (CFHD). Also called: COMPLEMENT FACTOR H DEFICIENCY; CFH DEFICIENCY. Identifiers: Orphanet 200421, MedGen C0398777, MONDO:0012350, OMIM 609814.
Age related macular degeneration 4. Identifiers: MedGen C1853147, MONDO:0012540, OMIM 610698.
Hemolytic uremic syndrome, atypical, susceptibility to, 1. Also called: AHUS, SUSCEPTIBILITY TO, 1. Identifiers: Orphanet 2134, Orphanet 90038, MedGen C2749604, MONDO:0009335, OMIM 235400. Disease mechanism: Other.

Allele frequency attached by ClinVar (database versions not stated): gnomAD exomes 0.00002; gnomAD 0.00005; ExAC 0.00007; TOPMed 0.00007; 1000 Genomes Project 30x 0.00031; 1000 Genomes Project 0.00040.
gnomAD v4.1: 41 of 1,613,786 alleles (0.0025%); highest among the groups gnomAD compares: East Asian, 0.074%; no homozygotes.

Submissions (5):

Genomenon, Inc
Classification: Likely benign for Age related macular degeneration 4; Atypical hemolytic-uremic syndrome; Factor H deficiency; Basal laminar drusen. Last evaluated: 2026-09-17. Review status: criteria provided, single submitter. Criteria: Genomenon Sequence Variant Interpretation Standards - Updated. Collection method: curation. Allele origin: germline. Affected: yes.
Comment: CFH p.Leu697Phe (c.2089C>T) is a missense variant that changes the amino acid at codon 697 from leucine to phenylalanine. This variant has been reported in the published literature (PMID: 37103770; 18421087). This variant's allele frequency in gnomAD is greater than expected for this disorder. In conclusion, we classify CFH p.Leu697Phe (c.2089C>T) as a likely benign variant.

Labcorp Genetics (formerly Invitae), Labcorp
Classification: Uncertain significance. Last evaluated: 2025-08-12. Review status: criteria provided, single submitter. Criteria: Invitae Variant Classification Sherloc (09022015). Collection method: clinical testing. Allele origin: germline.
Comment: This sequence change replaces leucine, which is neutral and non-polar, with phenylalanine, which is neutral and non-polar, at codon 697 of the CFH protein (p.Leu697Phe). This variant is present in population databases (rs201961184, gnomAD 0.09%). This missense change has been observed in individual(s) with severe hypertension-associated thrombotic microangiopathy (PMID: 37103770). ClinVar contains an entry for this variant (Variation ID: 1712460). An algorithm developed to predict the effect of missense changes on protein structure and function (PolyPhen-2) suggests that this variant is likely to be disruptive. In summary, the available evidence is currently insufficient to determine the role of this variant in disease. Therefore, it has been classified as a Variant of Uncertain Significance.

Fulgent Genetics
Classification: Uncertain significance for Basal laminar drusen; Hemolytic uremic syndrome, atypical, susceptibility to, 1; Factor H deficiency; Age related macular degeneration 4. Last evaluated: 2024-01-24. Review status: criteria provided, single submitter. Criteria: ACMG Guidelines, 2015. Collection method: clinical testing. Allele origin: germline.

Ambry Genetics
Classification: Uncertain significance for Inborn genetic diseases. Last evaluated: 2023-11-20. Review status: criteria provided, single submitter. Criteria: Ambry Variant Classification Scheme 2023. Collection method: clinical testing. Allele origin: germline.

Genome Diagnostics Laboratory, The Hospital for Sick Children
Classification: Uncertain significance for Atypical hemolytic-uremic syndrome. Last evaluated: 2020-03-01. Review status: criteria provided, single submitter. Criteria: ACMG Guidelines, 2015. Collection method: clinical testing. Allele origin: germline.

Literature cited by the submitters: PubMed 37103770 (cited by Genomenon, Inc and Labcorp Genetics (formerly Invitae), Labcorp); PubMed 18421087 (cited by Genomenon, Inc).

NM_000186.4(CFH):c.2089C>T (p.Leu697Phe)

Gene: CFH (complement factor H; plus strand). Cytogenetic location: 1q31.3.
Variant type: single nucleotide variant.
Coding change: c.2089C>T on transcript NM_000186.4 (MANE Select); coding-DNA position 2089, C replaced by T.
Protein change: p.Leu697Phe; replaces leucine 697 with phenylalanine.
Molecular consequence: missense variant.
Genome position (GRCh38, 1-based): chr1:196,726,793, C>T. VCF-style: chr1-196726793-C-T. GRCh37 (hg19) VCF-style: chr1-196695923-C-T.
Other names: short protein forms L697F.
Identifiers: ClinVar variation 1712460 (VCV001712460.9), dbSNP rs201961184, ClinGen allele CA1305582.
Genomic context (GRCh38, chr1:196,726,793, plus strand): 5'-ATAAACTTTTTTTGTAAAATTTACATAGTGGAGGAGAGTACCTGTGGAGATATACCTGAA[C>T]TTGAACATGGCTGGGCCCAGCTTTCTTCCCCTCCTTATTACTATGGAGATTCAGTGGAAT-3'
Protein context (NP_000177.2, residues 687-707): EESTCGDIPE[Leu697Phe]EHGWAQLSSP